The following is an entry in ClinVar:

ClinVar aggregate classification (germline): Conflicting classifications of pathogenicity. Review status: criteria provided, conflicting classifications (1 of 4 stars). 16 submissions from 16 submitters: Uncertain significance (14); Likely benign (2). Last evaluated 2026-04-20.

Conditions:
Hereditary nonpolyposis colorectal neoplasms. Identifiers: MedGen C0009405, MeSH D003123.
Hereditary cancer-predisposing syndrome. Also called: Tumor predisposition; Neoplastic Syndromes, Hereditary; Hereditary Cancer Syndrome; Hereditary neoplastic syndrome. Identifiers: Orphanet 140162, MedGen C0027672, MeSH D009386, MONDO:0015356.
Lynch syndrome. Identifiers: Orphanet 144, MedGen C4552100, MONDO:0005835. Disease mechanism: loss of function.
Lynch syndrome 5 (LYNCH5). Also called: Hereditary non-polyposis colorectal cancer, type 5; Colorectal cancer, hereditary nonpolyposis, type 5. Identifiers: Orphanet 144, MedGen C1833477, MONDO:0013710, OMIM 614350. Disease mechanism: loss of function.
Endometrial carcinoma. Also called: Endometrial carcinoma, somatic. Identifiers: MedGen C0476089, MONDO:0002447, OMIM 608089, HP:0012114.

Allele frequency attached by ClinVar (database versions not stated): ExAC 0.00002; TOPMed 0.00002.
gnomAD v4.1: 47 of 1,614,156 alleles (0.0029%); highest among the groups gnomAD compares: Non-Finnish European, 0.0037%; no homozygotes.

Submissions (16):

Ambry Genetics
Classification: Uncertain significance for Hereditary cancer-predisposing syndrome. Last evaluated: 2026-04-20. Review status: criteria provided, single submitter. Criteria: Ambry Variant Classification Scheme 2023. Collection method: clinical testing. Allele origin: germline.
Comment: The p.R298Q variant (also known as c.893G>A), located in coding exon 4 of the MSH6 gene, results from a G to A substitution at nucleotide position 893. The arginine at codon 298 is replaced by glutamine, an amino acid with highly similar properties. This amino acid position is poorly conserved in available vertebrate species. In addition, this alteration is predicted to be tolerated by in silico analysis. Based on the available evidence, the clinical significance of this variant remains unclear.

Labcorp Genetics (formerly Invitae), Labcorp
Classification: Likely benign for Hereditary nonpolyposis colorectal neoplasms. Last evaluated: 2026-01-30. Review status: criteria provided, single submitter. Criteria: Invitae Variant Classification Sherloc (09022015). Collection method: clinical testing. Allele origin: germline.

Color Diagnostics, LLC DBA Color Health
Classification: Uncertain significance for Hereditary cancer-predisposing syndrome. Last evaluated: 2025-11-25. Review status: criteria provided, single submitter. Criteria: ACMG Guidelines, 2015. Collection method: clinical testing. Allele origin: germline.
Comment: This missense variant replaces arginine with glutamine at codon 298 of the MSH6 protein. Computational prediction suggests that this variant may not impact protein structure and function. To our knowledge, functional studies have not been reported for this variant. This variant has not been reported in individuals affected with MSH6-related disorders in the literature. This variant has been identified in 47/1614156 chromosomes in the general population by the Genome Aggregation Database (gnomAD). The available evidence is insufficient to determine the role of this variant in disease conclusively. Therefore, this variant is classified as a Variant of Uncertain Significance.

Mayo Clinic Laboratories, Mayo Clinic
Classification: Uncertain significance. Last evaluated: 2025-10-01. Review status: criteria provided, single submitter. Criteria: ACMG Guidelines, 2015. Collection method: clinical testing. Allele origin: germline. Observed: 1 variant allele.
Comment: BP4

Women's Health and Genetics/Laboratory Corporation of America, LabCorp
Classification: Uncertain significance. Last evaluated: 2025-04-21. Review status: criteria provided, single submitter. Criteria: LabCorp Variant Classification Summary - May 2015. Collection method: clinical testing. Allele origin: germline.
Comment: Variant summary: MSH6 c.893G>A (p.Arg298Gln) results in a conservative amino acid change in the encoded protein sequence. Five of five in-silico tools predict a benign effect of the variant on protein function. The variant allele was found at a frequency of 1.6e-05 in 251270 control chromosomes (gnomAD). The available data on variant occurrences in the general population are insufficient to allow any conclusion about variant significance. c.893G>A has been observed in individual(s) affected with MSH6-related conditions (Zhang_2015, Tsaousis_2019, Nikitin_2020, Kitazono_2023) as well as in controls (Okawa_2023). These report(s) do not provide unequivocal conclusions about association of the variant with Hereditary Nonpolyposis Colorectal Cancer. To our knowledge, no experimental evidence demonstrating an impact on protein function has been reported. The following publications have been ascertained in the context of this evaluation (PMID: 26580448, 31159747, 32547938, 37229919). ClinVar contains an entry for this variant (Variation ID: 186227). Based on the evidence outlined above, the variant was classified as uncertain significance.

Center for Genomic Medicine, Rigshospitalet, Copenhagen University Hospital
Classification: Uncertain significance. Last evaluated: 2025-03-04. Review status: criteria provided, single submitter. Criteria: ACMG Guidelines, 2015. Collection method: clinical testing. Allele origin: germline.
Comment: Classification criteria: BP4

Myriad Genetics, Inc.
Classification: Likely benign for Lynch syndrome 5. Last evaluated: 2024-12-20. Review status: criteria provided, single submitter. Criteria: Myriad Autosomal Dominant, Autosomal Recessive and X-Linked Classification Criteria (2023). Collection method: clinical testing. Allele origin: unknown.
Comment: This variant is considered likely benign. This variant has been observed in conjunction with multiple pathogenic variants, reducing the likelihood this variant itself is pathogenic.

CeGaT Center for Human Genetics Tuebingen
Classification: Uncertain significance. Last evaluated: 2024-09-01. Review status: criteria provided, single submitter. Criteria: CeGaT Center For Human Genetics Tuebingen Variant Classification Criteria Version 2. Collection method: clinical testing. Allele origin: germline. Affected: yes. Observed: 1 variant allele.

Quest Diagnostics Nichols Institute San Juan Capistrano
Classification: Uncertain significance. Last evaluated: 2024-07-08. Review status: criteria provided, single submitter. Criteria: Quest Diagnostics criteria. Collection method: clinical testing. Allele origin: unknown.
Comment: The MSH6 c.893G>A (p.Arg298Gln) variant has been reported in the published literature in individuals with breast and/or ovarian cancer (PMID: 31159747 (2019), 32547938 (2020), 33471991 (2021), see also LOVD). It has also been observed in reportedly healthy individuals (PMID: 32980694 (2020), 36243179 (2022)). The frequency of this variant in the general population, 0.000026 (3/113606 chromosomes (Genome Aggregation Database)), is uninformative in the assessment of its pathogenicity. Analysis of this variant using bioinformatics tools for the prediction of the effect of amino acid changes on protein structure and function yielded predictions that this variant is benign. Based on the available information, we are unable to determine the clinical significance of this variant.

Molecular Pathology, Peter Maccallum Cancer Centre
Classification: Uncertain significance for Lynch syndrome 5. Last evaluated: 2024-06-17. Review status: criteria provided, single submitter. Criteria: ACMG Guidelines, 2015. Collection method: clinical testing. Allele origin: germline. Inheritance: Autosomal dominant inheritance.

Baylor Genetics
Classification: Uncertain significance for Endometrial carcinoma. Last evaluated: 2024-03-16. Review status: criteria provided, single submitter. Criteria: ACMG Guidelines, 2015. Collection method: clinical testing. Allele origin: unknown.

All of Us Research Program, National Institutes of Health
Classification: Uncertain significance for Lynch syndrome. Last evaluated: 2024-03-05. Review status: criteria provided, single submitter. Criteria: ACMG Guidelines, 2015. Collection method: clinical testing. Allele origin: germline. Inheritance: Autosomal dominant inheritance. Observed: 5 variant alleles, 5 heterozygotes.
Comment: This missense variant replaces arginine with glutamine at codon 298 of the MSH6 protein. Computational prediction tools and conservation analyses are inconclusive regarding the impact of this variant on protein structure and function. Splice site prediction tools suggest that this variant may not impact RNA splicing. To our knowledge, functional studies have not been performed for this variant. This variant has not been reported in individuals affected with hereditary cancer in the literature. This variant has been identified in 4/251270 chromosomes in the general population by the Genome Aggregation Database (gnomAD). The available evidence is insufficient to determine the role of this variant in disease conclusively. Therefore, this variant is classified as a Variant of Uncertain Significance.

This study involves interpretation of variants in research participants for the purpose of population health screening. Participant phenotype was not available at the time of variant classification. Additional details can be found in publication PMID: 35346344, PMCID: PMC8962531

Sema4
Classification: Uncertain significance for Hereditary cancer-predisposing syndrome. Last evaluated: 2021-11-30. Review status: criteria provided, single submitter. Criteria: Sema4 Curation Guidelines. Collection method: curation. Allele origin: germline.
Comment: The MSH6 c.893G>A (p.R298Q) variant has been reported in heterozygosity in at least two individuals a personal or family history of hereditary breast cancer and/or ovarian cancer (PMID: 32547938, 31159747), however it was also found in controls (PMID: 32980694). This variant was observed in 1/34582 in the Latino/Admixed American population and in 3/113606 in the Non-Finnish European population according to the Genome Aggregation Database (PMID: 32461654). This variant has been reported in ClinVar (Variation ID: 186227). Functional studies have not been performed, and in silico predictions of the variant's effect on protein function are inconclusive. The evidence is insufficient to meet ACMG/AMP criteria for classifying the variant as benign or pathogenic. Thus, the clinical significance of this variant is currently uncertain.

GeneKor MSA
Classification: Uncertain significance for Hereditary cancer-predisposing syndrome. Last evaluated: 2018-08-01. Review status: criteria provided, single submitter. Criteria: ACMG Guidelines, 2015. Collection method: clinical testing. Allele origin: germline. Affected: yes.

University of Washington Department of Laboratory Medicine, University of Washington
Classification: Uncertain significance for Lynch syndrome. Last evaluated: 2018-05-01. Review status: criteria provided, single submitter. Criteria: Shirts BH et al. (Am J Hum Genet 2018). Collection method: clinical testing. Allele origin: somatic. Affected: yes.
Comment: MSH6 NM_000179.2:c.893G>A has a 14.6% probability of pathogenicity based on combining prior probability from public data with a likelihood ratio of 1.56 to 1, generated from evidence of seeing this as a somatic mutation in a tumor without loss of heterozygosity at the MSH6 locus. See Shirts et al 2018, PMID 29887214.

GeneDx
Classification: Uncertain significance. Last evaluated: 2016-03-15. Review status: criteria provided, single submitter. Criteria: GeneDx Variant Classification (06012015). Collection method: clinical testing. Allele origin: germline. Affected: yes.
Comment: This variant is denoted MSH6 c.893G>A at the cDNA level, p.Arg298Gln (R298Q) at the protein level, and results in the change of an Arginine to a Glutamine (CGA>CAA). This variant has not, to our knowledge, been published in the literature as pathogenic or benign. MSH6 Arg298Gln was not observed in approximately 6,500 individuals of European and African American ancestry in the NHLBI Exome Sequencing Project, suggesting it is not a common benign variant in these populations. Since Arginine and Glutamine differ in some properties, this is considered a semi-conservative amino acid substitution. MSH6 Arg298Gln occurs at a position that is not conserved and is not located in a known functional domain (Kariola 2002,Terui 2013). In silico analyses are inconsistent regarding the effect this variant may have on protein structure and function. Based on currently available information, it is unclear whether MSH6 Arg298Gln is pathogenic or benign. We consider it to be a variant of uncertain significance.

Literature cited by the submitters: PubMed 29887214 (cited by Ambry Genetics and Quest Diagnostics Nichols Institute San Juan Capistrano); PubMed 32980694 (cited by 5 submitters); PubMed 36243179 (cited by 4 submitters); PubMed 26580448 (cited by Mayo Clinic Laboratories, Mayo Clinic and Women's Health and Genetics/Laboratory Corporation of America, LabCorp); PubMed 31159747 (cited by 5 submitters); PubMed 32547938 (cited by 5 submitters); PubMed 37229919 (cited by Women's Health and Genetics/Laboratory Corporation of America, LabCorp); PubMed 33471991 (cited by Quest Diagnostics Nichols Institute San Juan Capistrano).

NM_000179.3(MSH6):c.893G>A (p.Arg298Gln)

Gene: MSH6 (mutS homolog 6; plus strand). Cytogenetic location: 2p16.3.
Variant type: single nucleotide variant.
Coding change: c.893G>A on transcript NM_000179.3 (MANE Select); coding-DNA position 893, G replaced by A.
Protein change: p.Arg298Gln; replaces arginine 298 with glutamine.
Molecular consequence: missense variant. On other transcripts: 5 prime UTR variant (2).
Genome position (GRCh38, 1-based): chr2:47,798,876, G>A. VCF-style: chr2-47798876-G-A. GRCh37 (hg19) VCF-style: chr2-48026015-G-A.
Other names: p.Arg298Gln; c.503G>A, p.Arg168Gln (NM_001281492.2); c.-14G>A (NM_001281493.2, NM_001281494.2); short protein forms R298Q, R168Q.
Identifiers: ClinVar variation 186227 (VCV000186227.48), dbSNP rs765237563, ClinGen allele CA016611.
Genomic context (GRCh38, chr2:47,798,876, plus strand): 5'-TAAGCAGTGGAGTGGGGGATAGTGAGAGTGAAGGCCTGAACAGCCCTGTCAAAGTTGCTC[G>A]AAAGCGGAAGAGAATGGTGACTGGAAATGGCTCTCTTAAAAGGAAAAGCTCTAGGAAGGA-3'
Protein context (NP_000170.1, residues 288-308): EGLNSPVKVA[Arg298Gln]KRKRMVTGNG